The following is an entry in ClinVar:

NM_001384732.1(CPLANE1):c.911G>A (p.Ser304Asn)

Gene: CPLANE1 (ciliogenesis and planar polarity effector complex subunit 1; minus strand). Cytogenetic location: 5p13.2.
Variant type: single nucleotide variant.
Coding change: c.911G>A on transcript NM_001384732.1 (MANE Select); coding-DNA position 911, G replaced by A.
Protein change: p.Ser304Asn; replaces serine 304 with asparagine.
Molecular consequence: missense variant.
Genome position (GRCh38, 1-based): chr5:37,238,884, C>T on the plus strand (G>A on the coding strand, the complement: CPLANE1 is on the minus strand). VCF-style: chr5-37238884-C-T. GRCh37 (hg19) VCF-style: chr5-37238986-C-T.
Other names: c.911G>A, p.Ser304Asn (NM_023073.4); short protein forms S304N.
Identifiers: ClinVar variation 2016614 (VCV002016614.4), dbSNP rs2548823307, ClinGen allele CA359514268.
Genomic context (GRCh38, chr5:37,238,884, plus strand): 5'-AAAGAAAAAAAAGACAGACAAAAGAGTTCTTACCTAATAAGTGTAGCTGGAACCACGGGA[C>T]TCTTGTTACTACATCCTTTAAGGCTACCACAGAGAGTAACAAAATTCAGTGTGTTTATAA-3'
Protein context (NP_001371661.1, residues 294-314): CGSLKGCSNK[Ser304Asn]PVVPATLIRS

ClinVar aggregate classification (germline): Uncertain significance (1 of 4 stars; one submission).

Submission:

Labcorp Genetics (formerly Invitae), Labcorp
Classification: Uncertain significance. Last evaluated: 2022-07-13. Review status: criteria provided, single submitter. Criteria: Invitae Variant Classification Sherloc (09022015). Collection method: clinical testing. Allele origin: germline.
Comment: In summary, the available evidence is currently insufficient to determine the role of this variant in disease. Therefore, it has been classified as a Variant of Uncertain Significance. Advanced modeling of protein sequence and biophysical properties (such as structural, functional, and spatial information, amino acid conservation, physicochemical variation, residue mobility, and thermodynamic stability) performed at Invitae indicates that this missense variant is not expected to disrupt CPLANE1 protein function. This variant has not been reported in the literature in individuals affected with CPLANE1-related conditions. This variant is not present in population databases (gnomAD no frequency). This sequence change replaces serine, which is neutral and polar, with asparagine, which is neutral and polar, at codon 304 of the CPLANE1 protein (p.Ser304Asn).